The following is an entry in ClinVar:

NM_002693.3(POLG):c.2267A>T (p.Asp756Val)

Gene: POLG (DNA polymerase gamma, catalytic subunit; minus strand). Cytogenetic location: 15q26.1.
Variant type: single nucleotide variant.
Coding change: c.2267A>T on transcript NM_002693.3 (MANE Select); coding-DNA position 2267, A replaced by T.
Protein change: p.Asp756Val; replaces aspartic acid 756 with valine.
Molecular consequence: missense variant.
Genome position (GRCh38, 1-based): chr15:89,322,901, T>A on the plus strand (A>T on the coding strand, the complement: POLG is on the minus strand). VCF-style: chr15-89322901-T-A. GRCh37 (hg19) VCF-style: chr15-89866132-T-A.
Other names: c.2267A>T, p.Asp756Val (NM_001126131.2); short protein forms D756V.
Identifiers: ClinVar variation 3630519 (VCV003630519.2).

ClinVar aggregate classification (germline): Uncertain significance (1 of 4 stars; one submission).

Conditions:
Progressive sclerosing poliodystrophy (MTDPS4A). Also called: ALPERS PROGRESSIVE INFANTILE POLIODYSTROPHY; NEURONAL DEGENERATION OF CHILDHOOD WITH LIVER DISEASE, PROGRESSIVE; Alpers Syndrome; ALPERS DIFFUSE DEGENERATION OF CEREBRAL GRAY MATTER WITH HEPATIC CIRRHOSIS; Alpers-Huttenlocher Syndrome; Mitochondrial DNA depletion syndrome 4A (Alpers type). Identifiers: Orphanet 726, MedGen C0205710, MONDO:0008758, OMIM 203700.

gnomAD v4.1: 1 of 1,612,244 alleles (0.000062%); highest among the groups gnomAD compares: African/African-American, 0.0013%; no homozygotes.

Submission:

Labcorp Genetics (formerly Invitae), Labcorp
Classification: Uncertain significance for Progressive sclerosing poliodystrophy. Last evaluated: 2024-12-11. Review status: criteria provided, single submitter. Criteria: Invitae Variant Classification Sherloc (09022015). Collection method: clinical testing. Allele origin: germline.
Comment: This sequence change replaces aspartic acid, which is acidic and polar, with valine, which is neutral and non-polar, at codon 756 of the POLG protein (p.Asp756Val). This variant is not present in population databases (gnomAD no frequency). This missense change has been observed in individual(s) with POLG-related conditions (PMID: 37510298). An algorithm developed to predict the effect of missense changes on protein structure and function (PolyPhen-2) suggests that this variant is likely to be disruptive. In summary, the available evidence is currently insufficient to determine the role of this variant in disease. Therefore, it has been classified as a Variant of Uncertain Significance.

Literature cited by the submitters: PubMed 37510298.